The following is an entry in ClinVar:

NM_022167.4(XYLT2):c.1581C>A (p.Pro527=)

Gene: XYLT2 (xylosyltransferase 2; plus strand). Cytogenetic location: 17q21.33.
Variant type: single nucleotide variant.
Coding change: c.1581C>A on transcript NM_022167.4 (MANE Select); coding-DNA position 1581, C replaced by A.
Protein change: p.Pro527=; no amino-acid change (proline 527 retained).
Molecular consequence: synonymous variant.
Genome position (GRCh38, 1-based): chr17:50,356,609, C>A. VCF-style: chr17-50356609-C-A. GRCh37 (hg19) VCF-style: chr17-48433970-C-A.
Identifiers: ClinVar variation 1536759 (VCV001536759.14), dbSNP rs377456488, ClinGen allele CA8646489.

ClinVar aggregate classification (germline): Conflicting classifications of pathogenicity. Review status: criteria provided, conflicting classifications (1 of 4 stars). 4 submissions from 4 submitters: Uncertain significance (1); Benign (1); Likely benign (1). 1 of the submissions does not count toward it. Last evaluated 2026-01-02.

Conditions:
XYLT2-related disorder. Also called: XYLT2-related condition.
Osteogenesis imperfecta (OI). Identifiers: Orphanet 666, MedGen C0029434, MeSH D010013, MONDO:0019019.

Allele frequency attached by ClinVar (database versions not stated): ESP Exome Variant Server 0.00008; 1000 Genomes Project 30x 0.00016; 1000 Genomes Project 0.00020.
gnomAD v4.1: 233 of 1,614,156 alleles (0.014%); highest among the groups gnomAD compares: East Asian, 0.4%; no homozygotes.

Submissions (4):

Labcorp Genetics (formerly Invitae), Labcorp
Classification: Benign. Last evaluated: 2026-01-02. Review status: criteria provided, single submitter. Criteria: Invitae Variant Classification Sherloc (09022015). Collection method: clinical testing. Allele origin: germline.

Blueprint Genetics
Classification: Likely benign. Last evaluated: 2024-09-12. Review status: criteria provided, single submitter. Criteria: ACMG Guidelines, 2015. Collection method: clinical testing. Allele origin: germline.

Genome Diagnostics Laboratory, The Hospital for Sick Children
Classification: Uncertain significance for Osteogenesis imperfecta. Last evaluated: 2018-09-01. Review status: criteria provided, single submitter. Criteria: ACMG Guidelines, 2015. Collection method: clinical testing. Allele origin: germline.

PreventionGenetics, part of Exact Sciences
Classification: Benign for XYLT2-related condition. Last evaluated: 2019-09-17. Review status: no assertion criteria provided. Collection method: clinical testing. Allele origin: germline. Not counted in ClinVar's aggregate classification.
Comment: This variant is classified as benign based on ACMG/AMP sequence variant interpretation guidelines (Richards et al. 2015 PMID: 25741868, with internal and published modifications).